The following is an entry in ClinVar:

NM_007357.3(COG2):c.2139_2142del (p.Ser714fs)

Gene: COG2 (component of oligomeric golgi complex 2; plus strand). Cytogenetic location: 1q42.2.
Variant type: Deletion.
Coding change: c.2139_2142del on transcript NM_007357.3 (MANE Select); coding-DNA positions 2139 to 2142, 4 bases deleted (AAGT; older notation c.2139_2142delAAGT).
Protein change: p.Ser714fs; shifts the reading frame from serine 714.
Molecular consequence: frameshift variant.
Genome position (GRCh38, 1-based): chr1:230,693,315-230,693,318, AAGT deleted. VCF-style (leftmost placement, unchanged base first): chr1-230693314-CAAGT-C. GRCh37 (hg19) VCF-style: chr1-230829060-CAAGT-C.
Other names: c.2136_2139del, p.Ser713fs (NM_001145036.2); short protein forms S714fs, S713fs.
Identifiers: ClinVar variation 2147512 (VCV002147512.4), dbSNP rs2527679257, ClinGen allele CA2580062283.

ClinVar aggregate classification (germline): Uncertain significance (1 of 4 stars; one submission).

Conditions:
Congenital disorder of glycosylation, type IIq. Also called: CDG IIq. Identifiers: Orphanet 435934, MedGen C4479353, MONDO:0054559, OMIM 617395.

Submission:

Labcorp Genetics (formerly Invitae), Labcorp
Classification: Uncertain significance for Congenital disorder of glycosylation, type IIq. Last evaluated: 2022-10-17. Review status: criteria provided, single submitter. Criteria: Invitae Variant Classification Sherloc (09022015). Collection method: clinical testing. Allele origin: germline.
Comment: In summary, the available evidence is currently insufficient to determine the role of this variant in disease. Therefore, it has been classified as a Variant of Uncertain Significance. This variant has not been reported in the literature in individuals affected with COG2-related conditions. This variant is not present in population databases (gnomAD no frequency). This sequence change creates a premature translational stop signal (p.Ser714Thrfs*2) in the COG2 gene. While this is not anticipated to result in nonsense mediated decay, it is expected to disrupt the last 25 amino acid(s) of the COG2 protein.